The following is an entry in ClinVar:

NM_000199.5(SGSH):c.485dup (p.Leu163fs)

Gene: SGSH (N-sulfoglucosamine sulfohydrolase; minus strand). Cytogenetic location: 17q25.3.
Variant type: Duplication.
Coding change: c.485dup on transcript NM_000199.5 (MANE Select); coding-DNA position 485, one base duplicated (T; older notation c.485dupT).
Protein change: p.Leu163fs; shifts the reading frame from leucine 163.
Molecular consequence: frameshift variant. On other transcripts: non-coding transcript variant (1).
Genome position (GRCh38, 1-based): chr17:80,214,636, A duplicated on the plus strand (T on the coding strand, the reverse complement: SGSH is on the minus strand); the first of 2 consecutive A bases (chr17:80,214,636-80,214,637); duplicating either gives the same sequence. VCF-style (leftmost placement, unchanged base first): chr17-80214635-G-GA. GRCh37 (hg19) VCF-style: chr17-78188434-G-GA.
Other names: c.485dup, p.Leu163fs (NM_001352921.3, NM_001352922.2); short protein forms L163fs.
Identifiers: ClinVar variation 5015843 (VCV005015843.1).

ClinVar aggregate classification (germline): Pathogenic (1 of 4 stars; one submission).

Conditions:
Mucopolysaccharidosis, MPS-III-A (MPS3A). Also called: HEPARAN SULFATE SULFATASE DEFICIENCY; SANFILIPPO SYNDROME A; SULFAMIDASE DEFICIENCY; MPS III A; MUCOPOLYSACCHARIDOSIS, TYPE IIIA, ATTENUATED; Mucopolysaccharidosis type IIIA (Sanfilippo A). Identifiers: Orphanet 581, Orphanet 79269, MedGen C0086647, MONDO:0009655, OMIM 252900.

Submission:

Myriad Genetics, Inc.
Classification: Pathogenic for Mucopolysaccharidosis, MPS-III-A. Last evaluated: 2026-04-29. Review status: criteria provided, single submitter. Criteria: Myriad Autosomal Dominant, Autosomal Recessive and X-Linked Classification Criteria (2023). Collection method: clinical testing. Allele origin: unknown.
Comment: NM_000199.3(SGSH):c.485dupT(L163Pfs*6) is expected to be pathogenic in the context of mucopolysaccharidosis type IIIA. This variant is predicted to lead to an abnormal or absent protein product due to the creation of a premature termination codon in SGSH, a gene where loss-of-function variants are known to be pathogenic. Please note: this variant was assessed in the context of healthy population screening.